The following is an entry in ClinVar:

NM_014956.5(CEP164):c.1669G>A (p.Glu557Lys)

Gene: CEP164 (centrosomal protein 164; plus strand). Cytogenetic location: 11q23.3.
Variant type: single nucleotide variant.
Coding change: c.1669G>A on transcript NM_014956.5 (MANE Select); coding-DNA position 1669, G replaced by A.
Protein change: p.Glu557Lys; replaces glutamic acid 557 with lysine.
Molecular consequence: missense variant.
Genome position (GRCh38, 1-based): chr11:117,382,887, G>A. VCF-style: chr11-117382887-G-A. GRCh37 (hg19) VCF-style: chr11-117253603-G-A.
Other names: c.1678G>A, p.Glu560Lys (NM_001271933.2); short protein forms E557K, E560K.
Identifiers: ClinVar variation 2196507 (VCV002196507.4), dbSNP rs554021062, ClinGen allele CA6294820.

ClinVar aggregate classification (germline): Uncertain significance (1 of 4 stars; one submission).

Conditions:
Nephronophthisis 15 (NPHP15). Identifiers: Orphanet 3156, MedGen C3541853, MONDO:0013917, OMIM 614845.

Allele frequency attached by ClinVar (database versions not stated): gnomAD exomes 0.00001; ExAC 0.00002; gnomAD 0.00003; 1000 Genomes Project 30x 0.00062; 1000 Genomes Project 0.00080.
gnomAD v4.1: 11 of 1,613,990 alleles (0.00068%); highest among the groups gnomAD compares: East Asian, 0.0089%; no homozygotes.

Submission:

Labcorp Genetics (formerly Invitae), Labcorp
Classification: Uncertain significance for Nephronophthisis 15. Last evaluated: 2022-04-12. Review status: criteria provided, single submitter. Criteria: Invitae Variant Classification Sherloc (09022015). Collection method: clinical testing. Allele origin: germline.
Comment: In summary, the available evidence is currently insufficient to determine the role of this variant in disease. Therefore, it has been classified as a Variant of Uncertain Significance. Algorithms developed to predict the effect of missense changes on protein structure and function output the following: SIFT: "Tolerated"; PolyPhen-2: "Benign"; Align-GVGD: "Class C0". The lysine amino acid residue is found in multiple mammalian species, which suggests that this missense change does not adversely affect protein function. This variant has not been reported in the literature in individuals affected with CEP164-related conditions. This variant is present in population databases (rs554021062, gnomAD 0.003%). This sequence change replaces glutamic acid, which is acidic and polar, with lysine, which is basic and polar, at codon 557 of the CEP164 protein (p.Glu557Lys).